The following is an entry in ClinVar:

NM_000291.4(PGK1):c.970T>G (p.Tyr324Asp)

Gene: PGK1 (phosphoglycerate kinase 1; plus strand). Cytogenetic location: Xq21.1.
Variant type: single nucleotide variant.
Coding change: c.970T>G on transcript NM_000291.4 (MANE Select); coding-DNA position 970, T replaced by G.
Protein change: p.Tyr324Asp; replaces tyrosine 324 with aspartic acid.
Molecular consequence: missense variant.
Genome position (GRCh38, 1-based): chrX:78,124,907, T>G. VCF-style: chrX-78124907-T-G. GRCh37 (hg19) VCF-style: chrX-77380404-T-G.
Other names: short protein forms Y324D.
Identifiers: ClinVar variation 3613465 (VCV003613465.3).
Genomic context (GRCh38, chrX:78,124,907, plus strand): 5'-ATCTTCTCTTTCACCTCTACCCCTCAGGGCTTGGACTGTGGTCCTGAAAGCAGCAAGAAG[T>G]ATGCTGAGGCTGTCACTCGGGCTAAGCAGATTGTGTGGAATGGTCCTGTGGGGGTATTTG-3'
Protein context (NP_000282.1, residues 314-334): LDCGPESSKK[Tyr324Asp]AEAVTRAKQI

ClinVar aggregate classification (germline): Uncertain significance. Review status: criteria provided, multiple submitters, no conflicts (2 of 4 stars). 2 submissions from 2 submitters: Uncertain significance (2). Last evaluated 2025-11-10.

Conditions:
Inborn genetic diseases. Identifiers: MedGen C0950123, MeSH D030342.

gnomAD v4.1: 1 of 1,207,031 alleles (0.000083%); highest among the groups gnomAD compares: African/African-American, 0.0018%; no homozygotes.

Submissions (2):

Labcorp Genetics (formerly Invitae), Labcorp
Classification: Uncertain significance. Last evaluated: 2025-11-10. Review status: criteria provided, single submitter. Criteria: Invitae Variant Classification Sherloc (09022015). Collection method: clinical testing. Allele origin: germline.
Comment: This sequence change replaces tyrosine, which is neutral and polar, with aspartic acid, which is acidic and polar, at codon 324 of the PGK1 protein (p.Tyr324Asp). This variant is not present in population databases (gnomAD no frequency). This variant has not been reported in the literature in individuals affected with PGK1-related conditions. ClinVar contains an entry for this variant (Variation ID: 3613465). Invitae Evidence Modeling of protein sequence and biophysical properties (such as structural, functional, and spatial information, amino acid conservation, physicochemical variation, residue mobility, and thermodynamic stability) indicates that this missense variant is not expected to disrupt PGK1 protein function with a negative predictive value of 80%. In summary, the available evidence is currently insufficient to determine the role of this variant in disease. Therefore, it has been classified as a Variant of Uncertain Significance.

Ambry Genetics
Classification: Uncertain significance for Inborn genetic diseases. Last evaluated: 2025-05-05. Review status: criteria provided, single submitter. Criteria: Ambry Variant Classification Scheme 2023. Collection method: clinical testing. Allele origin: germline.